The following is an entry in ClinVar:

ClinVar aggregate classification (germline): Conflicting classifications of pathogenicity. Review status: criteria provided, conflicting classifications (1 of 4 stars). 3 submissions from 3 submitters: Uncertain significance (2); Likely benign (1). Last evaluated 2023-03-23.

Conditions:
Hereditary breast ovarian cancer syndrome. Also called: Hereditary breast and ovarian cancer; Hereditary breast and ovarian cancer syndrome; Hereditary breast and/or ovarian cancer syndrome; BRCA1- and BRCA2-Associated Hereditary Breast and Ovarian Cancer; Hereditary breast and ovarian cancer syndrome (HBOC); Breast and ovarian cancer. Identifiers: Orphanet 145, MedGen C0677776, MeSH D061325, MONDO:0003582. Disease mechanism: loss of function.
Hereditary cancer-predisposing syndrome. Also called: Tumor predisposition; Hereditary neoplastic syndrome; Hereditary Cancer Syndrome; Neoplastic Syndromes, Hereditary. Identifiers: Orphanet 140162, MedGen C0027672, MeSH D009386, MONDO:0015356.

Allele frequency attached by ClinVar (database versions not stated): gnomAD exomes below 0.00001; TOPMed below 0.00001; gnomAD 0.00001.
gnomAD v4.1: 2 of 1,613,966 alleles (0.00012%); highest among the groups gnomAD compares: South Asian, 0.0022%; no homozygotes.

Submissions (3):

University of Washington Department of Laboratory Medicine, University of Washington
Classification: Likely benign for Hereditary cancer-predisposing syndrome. Last evaluated: 2023-03-23. Review status: criteria provided, single submitter. Criteria: Dines et al. (Genet Med. 2020). Collection method: curation. Allele origin: germline.
Comment: Missense variant in a coldspot region where missense variants are very unlikely to be pathogenic (PMID:31911673).

BRCA1 coldspot (exon 11 using historical exon numbering). Reclassification based on statistical prior probability

Labcorp Genetics (formerly Invitae), Labcorp
Classification: Uncertain significance for Hereditary breast ovarian cancer syndrome. Last evaluated: 2022-04-30. Review status: criteria provided, single submitter. Criteria: Invitae Variant Classification Sherloc (09022015). Collection method: clinical testing. Allele origin: germline.
Comment: This sequence change replaces serine, which is neutral and polar, with glycine, which is neutral and non-polar, at codon 716 of the BRCA1 protein (p.Ser716Gly). This variant is not present in population databases (gnomAD no frequency). In summary, the available evidence is currently insufficient to determine the role of this variant in disease. Therefore, it has been classified as a Variant of Uncertain Significance. Advanced modeling of protein sequence and biophysical properties (such as structural, functional, and spatial information, amino acid conservation, physicochemical variation, residue mobility, and thermodynamic stability) performed at Invitae indicates that this missense variant is not expected to disrupt BRCA1 protein function. ClinVar contains an entry for this variant (Variation ID: 1172246). This variant has not been reported in the literature in individuals affected with BRCA1-related conditions.

Color Diagnostics, LLC DBA Color Health
Classification: Uncertain significance for Hereditary cancer-predisposing syndrome. Last evaluated: 2020-10-05. Review status: criteria provided, single submitter. Criteria: ACMG Guidelines, 2015. Collection method: clinical testing. Allele origin: germline.
Comment: This missense variant replaces serine with glycine at codon 716 of the BRCA1 protein. Computational prediction suggests that this variant may not impact protein structure and function (internally defined REVEL score threshold <= 0.5, PMID: 27666373). To our knowledge, functional studies have not been reported for this variant. This variant has not been reported in individuals affected with hereditary cancer in the literature. This variant has not been identified in the general population by the Genome Aggregation Database (gnomAD). The available evidence is insufficient to determine the role of this variant in disease conclusively. Therefore, this variant is classified as a Variant of Uncertain Significance.

NM_007294.4(BRCA1):c.2146A>G (p.Ser716Gly)

Gene: BRCA1 (BRCA1 DNA repair associated; minus strand). Cytogenetic location: 17q21.31.
Variant type: single nucleotide variant.
Coding change: c.2146A>G on transcript NM_007294.4 (MANE Select); coding-DNA position 2146, A replaced by G.
Protein change: p.Ser716Gly; replaces serine 716 with glycine.
Molecular consequence: missense variant. On other transcripts: intron variant (137).
Genome position (GRCh38, 1-based): chr17:43,093,385, T>C on the plus strand (A>G on the coding strand, the complement: BRCA1 is on the minus strand). VCF-style: chr17-43093385-T-C. GRCh37 (hg19) VCF-style: chr17-41245402-T-C.
Other names: c.2143A>G, p.Ser715Gly (NM_001407630.1, NM_001407631.1, NM_001407632.1 and 22 more transcripts); c.784+1359A>G (NM_001408407.1, NM_001408402.1, NM_001408473.1 and 13 more transcripts); c.646+1359A>G (NM_001408456.1, NM_001408458.1, NM_001408469.1 and 11 more transcripts); c.787+1359A>G (NM_001407983.1, NM_001407975.1, NM_001408403.1 and 17 more transcripts); c.664+1359A>G (NM_001408443.1, NM_001408439.1, NM_001408425.1 and 12 more transcripts); c.671-2353A>G (NM_001408419.1, NM_001408423.1, NM_001408420.1 and 2 more transcripts); c.790+1356A>G (NM_001408406.1); c.2146A>G, p.Ser716Gly (NM_001407639.1, NM_001407640.1, NM_001407641.1 and 30 more transcripts); and 41 more; short protein forms S669G, S716G, S420G, S648G, S675G, S715G, S627G, S649G.
Identifiers: ClinVar variation 1172246 (VCV001172246.10), dbSNP rs2053817086, ClinGen allele CA10597713.